The following is an entry in ClinVar:

NM_016169.4(SUFU):c.979A>T (p.Ile327Phe)

Gene: SUFU (SUFU negative regulator of hedgehog signaling; plus strand). Cytogenetic location: 10q24.32.
Variant type: single nucleotide variant.
Coding change: c.979A>T on transcript NM_016169.4 (MANE Select); coding-DNA position 979, A replaced by T.
Protein change: p.Ile327Phe; replaces isoleucine 327 with phenylalanine.
Molecular consequence: missense variant.
Genome position (GRCh38, 1-based): chr10:102,599,501, A>T. VCF-style: chr10-102599501-A-T. GRCh37 (hg19) VCF-style: chr10-104359258-A-T.
Other names: c.979A>T, p.Ile327Phe (NM_001178133.2); short protein forms I327F.
Identifiers: ClinVar variation 1768219 (VCV001768219.2), dbSNP rs752846043, ClinGen allele CA377911129.

ClinVar aggregate classification (germline): Uncertain significance (1 of 4 stars; one submission).

Conditions:
Hereditary cancer-predisposing syndrome. Also called: Hereditary Cancer Syndrome; Hereditary neoplastic syndrome; Neoplastic Syndromes, Hereditary; Tumor predisposition. Identifiers: Orphanet 140162, MedGen C0027672, MeSH D009386, MONDO:0015356.

gnomAD v4.1: 1 of 1,614,138 alleles (0.000062%); highest among the groups gnomAD compares: Non-Finnish European, 0.000085%; no homozygotes.

Submission:

Ambry Genetics
Classification: Uncertain significance for Hereditary cancer-predisposing syndrome. Last evaluated: 2021-11-24. Review status: criteria provided, single submitter. Criteria: Ambry Variant Classification Scheme 2023. Collection method: clinical testing. Allele origin: germline.
Comment: The p.I327F variant (also known as c.979A>T), located in coding exon 8 of the SUFU gene, results from an A to T substitution at nucleotide position 979. The isoleucine at codon 327 is replaced by phenylalanine, an amino acid with highly similar properties. This amino acid position is highly conserved in available vertebrate species. In addition, the in silico prediction for this alteration is inconclusive. Since supporting evidence is limited at this time, the clinical significance of this alteration remains unclear.